The following is an entry in ClinVar:

NM_001372066.1(TFAP2A):c.296C>T (p.Pro99Leu)

Gene: TFAP2A (transcription factor AP-2 alpha; minus strand). Cytogenetic location: 6p24.3.
Variant type: single nucleotide variant.
Coding change: c.296C>T on transcript NM_001372066.1 (MANE Select); coding-DNA position 296, C replaced by T.
Protein change: p.Pro99Leu; replaces proline 99 with leucine.
Molecular consequence: missense variant.
Genome position (GRCh38, 1-based): chr6:10,410,091, G>A on the plus strand (C>T on the coding strand, the complement: TFAP2A is on the minus strand). VCF-style: chr6-10410091-G-A. GRCh37 (hg19) VCF-style: chr6-10410324-G-A.
Other names: NM_003220.2:c.290C>T; c.272C>T, p.Pro91Leu (NM_001032280.3); c.278C>T, p.Pro93Leu (NM_001042425.3); short protein forms P91L, P99L, P93L.
Identifiers: ClinVar variation 2709310 (VCV002709310.4), dbSNP rs779455245, ClinGen allele CA3631363.

ClinVar aggregate classification (germline): Uncertain significance. Review status: criteria provided, multiple submitters, no conflicts (2 of 4 stars). 2 submissions from 2 submitters: Uncertain significance (2). Last evaluated 2026-01-02.

Conditions:
TFAP2A-related disorder. Also called: TFAP2A-related condition.

Allele frequency attached by ClinVar (database versions not stated): gnomAD 0.00003; ExAC 0.00005; gnomAD exomes 0.00005.
gnomAD v4.1: 70 of 1,612,894 alleles (0.0043%); highest among the groups gnomAD compares: Admixed American, 0.0083%; no homozygotes.

Submissions (2):

PreventionGenetics, part of Exact Sciences
Classification: Uncertain significance for TFAP2A-related condition. Last evaluated: 2026-01-02. Review status: criteria provided, single submitter. Criteria: ACMG Guidelines, 2015. Collection method: clinical testing. Allele origin: germline.
Comment: The TFAP2A c.290C>T variant is predicted to result in the amino acid substitution p.Pro97Leu. To our knowledge, this variant has not been reported in the literature. This variant is reported in 0.014% of alleles in individuals of Latino descent in gnomAD. At this time, the clinical significance of this variant is uncertain due to the absence of conclusive functional and genetic evidence.

Labcorp Genetics (formerly Invitae), Labcorp
Classification: Uncertain significance. Last evaluated: 2025-09-25. Review status: criteria provided, single submitter. Criteria: Invitae Variant Classification Sherloc (09022015). Collection method: clinical testing. Allele origin: germline.
Comment: This sequence change replaces proline, which is neutral and non-polar, with leucine, which is neutral and non-polar, at codon 97 of the TFAP2A protein (p.Pro97Leu). This variant is present in population databases (rs779455245, gnomAD 0.01%). This variant has not been reported in the literature in individuals affected with TFAP2A-related conditions. ClinVar contains an entry for this variant (Variation ID: 2709310). An algorithm developed to predict the effect of missense changes on protein structure and function (PolyPhen-2) suggests that this variant is likely to be disruptive. In summary, the available evidence is currently insufficient to determine the role of this variant in disease. Therefore, it has been classified as a Variant of Uncertain Significance.